The following is an entry in ClinVar:

NM_004525.3(LRP2):c.4866G>A (p.Met1622Ile)

Gene: LRP2 (LDL receptor related protein 2; minus strand). Cytogenetic location: 2q31.1.
Variant type: single nucleotide variant.
Coding change: c.4866G>A on transcript NM_004525.3 (MANE Select); coding-DNA position 4866, G replaced by A.
Protein change: p.Met1622Ile; replaces methionine 1622 with isoleucine.
Molecular consequence: missense variant.
Genome position (GRCh38, 1-based): chr2:169,235,894, C>T on the plus strand (G>A on the coding strand, the complement: LRP2 is on the minus strand). VCF-style: chr2-169235894-C-T. GRCh37 (hg19) VCF-style: chr2-170092404-C-T.
Other names: short protein forms M1622I.
Identifiers: ClinVar variation 1698669 (VCV001698669.1), dbSNP rs2105375209, ClinGen allele CA349142209.

ClinVar aggregate classification (germline): Uncertain significance (1 of 4 stars; one submission).

Allele frequency attached by ClinVar (database versions not stated): gnomAD exomes below 0.00001.

Submission:

Women's Health and Genetics/Laboratory Corporation of America, LabCorp
Classification: Uncertain significance. Last evaluated: 2022-06-30. Review status: criteria provided, single submitter. Criteria: LabCorp Variant Classification Summary - May 2015. Collection method: clinical testing. Allele origin: germline.
Comment: Variant summary: LRP2 c.4866G>A (p.Met1622Ile) results in a conservative amino acid change in the encoded protein sequence. Four of four in-silico tools predict a benign effect of the variant on protein function. The variant was absent in 251462 control chromosomes (gnomAD). The available data on variant occurrences in the general population are insufficient to allow any conclusion about variant significance. To our knowledge, no occurrence of c.4866G>A in individuals affected with Donnai Barrow Syndrome and no experimental evidence demonstrating its impact on protein function have been reported. No clinical diagnostic laboratories have submitted clinical-significance assessments for this variant to ClinVar after 2014. Based on the evidence outlined above, the variant was classified as uncertain significance.